The following is an entry in ClinVar:

NM_001367823.1(ARHGEF18):c.968-19G>T

Gene: ARHGEF18 (Rho/Rac guanine nucleotide exchange factor 18; plus strand). Cytogenetic location: 19p13.2.
Variant type: single nucleotide variant.
Coding change: c.968-19G>T on transcript NM_001367823.1 (MANE Select); 19 bases into the intron before coding-DNA position 968, G replaced by T.
Molecular consequence: intron variant. On other transcripts: missense variant (1), 5 prime UTR variant (1).
Genome position (GRCh38, 1-based): chr19:7,440,325, G>T. VCF-style: chr19-7440325-G-T. GRCh37 (hg19) VCF-style: chr19-7505211-G-T.
Other names: c.223G>T, p.Val75Phe (NM_001130955.2); c.-90G>T (NM_001367824.1); c.-71-19G>T (NM_015318.4); c.385G>T (NM_001130955.1); short protein forms V75F.
Identifiers: ClinVar variation 1355090 (VCV001355090.8), dbSNP rs1313919839, ClinGen allele CA403095602.
Genomic context (GRCh38, chr19:7,440,325, plus strand): 5'-GAGCGGGGCTTCCGCGCCGGGGACCTCCGCTACCCGACCCACTTTCTCAGCACCAACTCT[G>T]TCCTTGCCTCTGTCACAGCCTCGCTCAAGGAGCACCCCCGGGGCACCCTCCTGTCCGATG-3'

ClinVar aggregate classification (germline): Uncertain significance. Review status: criteria provided, multiple submitters, no conflicts (2 of 4 stars). 3 submissions from 3 submitters: Uncertain significance (3). Last evaluated 2025-05-26.

Conditions:
Inborn genetic diseases. Identifiers: MedGen C0950123, MeSH D030342.

Allele frequency attached by ClinVar (database versions not stated): gnomAD exomes below 0.00001; TOPMed 0.00002; gnomAD 0.00004.

Submissions (3):

Ambry Genetics
Classification: Uncertain significance for Inborn genetic diseases. Last evaluated: 2025-05-26. Review status: criteria provided, single submitter. Criteria: Ambry Variant Classification Scheme 2023. Collection method: clinical testing. Allele origin: germline.

Blueprint Genetics
Classification: Uncertain significance. Last evaluated: 2022-05-08. Review status: criteria provided, single submitter. Criteria: ACMG Guidelines, 2015. Collection method: clinical testing. Allele origin: germline.

Labcorp Genetics (formerly Invitae), Labcorp
Classification: Uncertain significance. Last evaluated: 2021-02-15. Review status: criteria provided, single submitter. Criteria: Invitae Variant Classification Sherloc (09022015). Collection method: clinical testing. Allele origin: germline.
Comment: In summary, the available evidence is currently insufficient to determine the role of this variant in disease. Therefore, it has been classified as a Variant of Uncertain Significance. Algorithms developed to predict the effect of missense changes on protein structure and function are either unavailable or do not agree on the potential impact of this missense change (SIFT: "Deleterious"; PolyPhen-2: "Benign"; Align-GVGD: "Class C0"). This variant has not been reported in the literature in individuals with ARHGEF18-related conditions. This variant is not present in population databases (ExAC no frequency). This sequence change replaces valine with phenylalanine at codon 129 of the ARHGEF18 protein (p.Val129Phe). The valine residue is moderately conserved and there is a small physicochemical difference between valine and phenylalanine.